The following is an entry in ClinVar:

ClinVar aggregate classification (germline): Benign/Likely benign. Review status: criteria provided, multiple submitters, no conflicts (2 of 4 stars). 6 submissions from 6 submitters: Benign (1); Likely benign (5). Last evaluated 2025-12-09.

Conditions:
Hereditary cancer-predisposing syndrome. Also called: Hereditary Cancer Syndrome; Hereditary neoplastic syndrome; Neoplastic Syndromes, Hereditary; Tumor predisposition. Identifiers: Orphanet 140162, MedGen C0027672, MeSH D009386, MONDO:0015356.
Familial melanoma. Also called: Hereditary melanoma; Hereditary cutaneous melanoma. Identifiers: Orphanet 618, MedGen C1512419, MONDO:0018961.
Melanoma, cutaneous malignant, susceptibility to, 3. Also called: Cutaneous malignant melanoma 3. Identifiers: Orphanet 618, MedGen C1836892, MONDO:0012183, OMIM 609048.

Allele frequency attached by ClinVar (database versions not stated): gnomAD 0.00001; gnomAD exomes 0.00001 and 0.00002; TOPMed 0.00001; ExAC 0.00004.
gnomAD v4.1: 14 of 1,614,088 alleles (0.00087%); highest among the groups gnomAD compares: South Asian, 0.0055%; no homozygotes.

Submissions (6):

Labcorp Genetics (formerly Invitae), Labcorp
Classification: Likely benign for Familial melanoma. Last evaluated: 2025-12-09. Review status: criteria provided, single submitter. Criteria: Invitae Variant Classification Sherloc (09022015). Collection method: clinical testing. Allele origin: germline.

Myriad Genetics, Inc.
Classification: Benign for Melanoma, cutaneous malignant, susceptibility to, 3. Last evaluated: 2024-09-26. Review status: criteria provided, single submitter. Criteria: Myriad Autosomal Dominant, Autosomal Recessive and X-Linked Classification Criteria (2023). Collection method: clinical testing. Allele origin: unknown.
Comment: This variant is considered benign. This variant is a silent/synonymous amino acid change and it is not expected to impact splicing.

Quest Diagnostics Nichols Institute San Juan Capistrano
Classification: Likely benign. Last evaluated: 2023-06-23. Review status: criteria provided, single submitter. Criteria: Quest Diagnostics criteria. Collection method: clinical testing. Allele origin: unknown.

Mendelics
Classification: Likely benign for Melanoma, cutaneous malignant, susceptibility to, 3. Last evaluated: 2019-05-28. Review status: criteria provided, single submitter. Criteria: Mendelics Assertion Criteria 2017. Collection method: clinical testing. Allele origin: unknown.

GeneDx
Classification: Likely benign. Last evaluated: 2016-06-27. Review status: criteria provided, single submitter. Criteria: GeneDx Variant Classification (06012015). Collection method: clinical testing. Allele origin: germline. Affected: yes.
Comment: This variant is considered likely benign or benign based on one or more of the following criteria: it is a conservative change, it occurs at a poorly conserved position in the protein, it is predicted to be benign by multiple in silico algorithms, and/or has population frequency not consistent with disease.

Ambry Genetics
Classification: Likely benign for Hereditary cancer-predisposing syndrome. Last evaluated: 2015-07-23. Review status: criteria provided, single submitter. Criteria: Ambry Variant Classification Scheme 2023. Collection method: clinical testing. Allele origin: germline.

Literature cited by the submitters: PubMed 31784493 (cited by Quest Diagnostics Nichols Institute San Juan Capistrano); PubMed 25344691 (cited by Quest Diagnostics Nichols Institute San Juan Capistrano).

NM_000075.4(CDK4):c.660C>T (p.Ala220=)

Genes: CDK4 (cyclin dependent kinase 4; minus strand), TSPAN31 (tetraspanin 31; plus strand). Cytogenetic location: 12q14.1.
Variant type: single nucleotide variant.
Coding change: c.660C>T on transcript NM_000075.4 (MANE Select); coding-DNA position 660, C replaced by T.
Protein change: p.Ala220=; no amino-acid change (alanine 220 retained).
Molecular consequence: synonymous variant. On other transcripts: 3 prime UTR variant (3).
Genome position (GRCh38, 1-based): chr12:57,749,477, G>A on the plus strand (C>T on the coding strand, the complement: CDK4 is on the minus strand). VCF-style: chr12-57749477-G-A. GRCh37 (hg19) VCF-style: chr12-58143260-G-A.
Other names: c.*2187G>A (NM_001330168.2, NM_001330169.2, NM_005981.5).
Identifiers: ClinVar variation 387376 (VCV000387376.60), dbSNP rs773490152, ClinGen allele CA6657724.
Genomic context (GRCh38, chr12:57,749,477, plus strand): 5'-GAATAGAAAATCTTTTTCTCCCATGTTGGTCACTTACTCAAAGATTTTGCCCAACTGGTC[G>A]GCTTCAGAGTTTCCACAGAAGAGAGGCCTAAGGTGAGAAGGGATATAAGGTAGCAGTCAT-3'
Protein context (NP_000066.1, residues 210-230): RKPLFCGNSE[Ala220=]DQLGKIFDLI